The following is an entry in ClinVar:

NM_032444.4(SLX4):c.1115G>A (p.Arg372Gln)

Gene: SLX4 (SLX4 structure-specific endonuclease subunit; minus strand). Cytogenetic location: 16p13.3.
Variant type: single nucleotide variant.
Coding change: c.1115G>A on transcript NM_032444.4 (MANE Select); coding-DNA position 1115, G replaced by A.
Protein change: p.Arg372Gln; replaces arginine 372 with glutamine.
Molecular consequence: missense variant.
Genome position (GRCh38, 1-based): chr16:3,601,027, C>T on the plus strand (G>A on the coding strand, the complement: SLX4 is on the minus strand). VCF-style: chr16-3601027-C-T. GRCh37 (hg19) VCF-style: chr16-3651028-C-T.
Other names: c.1115G>A (LRG_503t1); short protein forms R372Q.
Identifiers: ClinVar variation 319180 (VCV000319180.17), dbSNP rs372956623, ClinGen allele CA7866638.
Genomic context (GRCh38, chr16:3,601,027, plus strand): 5'-TCGTCGACTTACCTGAACATGGGTGGGCTGCTGCTACCCTCAGGCTGTGCTGTCTGCAGC[C>T]GCACAGCCTGAAGCAGGAGCTGGGGGCCAACCTCCATCTTCACAGCACACTGCTTCAAGT-3'
Protein context (NP_115820.2, residues 362-382): VGPQLLLQAV[Arg372Gln]LQTAQPEGSS

ClinVar aggregate classification (germline): Uncertain significance. Review status: criteria provided, multiple submitters, no conflicts (2 of 4 stars). 5 submissions from 5 submitters: Uncertain significance (5). Last evaluated 2026-01-24.

Conditions:
Fanconi anemia (FA). Also called: Fanconi's anemia. Identifiers: Orphanet 84, MedGen C0015625, MeSH D005199, MONDO:0019391.
Fanconi anemia complementation group P. Also called: SLX4-Related Fanconi Anemia. Identifiers: Orphanet 84, MedGen C3469542, MONDO:0013499, OMIM 613951.

Allele frequency attached by ClinVar (database versions not stated): ExAC 0.00007; gnomAD 0.00007 and 0.00008; ESP Exome Variant Server 0.00008; gnomAD exomes 0.00008 and 0.00012; TOPMed 0.00008.
gnomAD v4.1: 194 of 1,613,798 alleles (0.012%); highest among the groups gnomAD compares: Admixed American, 0.02%; no homozygotes.

Submissions (5):

Labcorp Genetics (formerly Invitae), Labcorp
Classification: Uncertain significance for Fanconi anemia. Last evaluated: 2026-01-24. Review status: criteria provided, single submitter. Criteria: Invitae Variant Classification Sherloc (09022015). Collection method: clinical testing. Allele origin: germline.
Comment: This sequence change replaces arginine, which is basic and polar, with glutamine, which is neutral and polar, at codon 372 of the SLX4 protein (p.Arg372Gln). This variant is present in population databases (rs372956623, gnomAD 0.04%). This variant has not been reported in the literature in individuals affected with SLX4-related conditions. ClinVar contains an entry for this variant (Variation ID: 319180). An algorithm developed to predict the effect of missense changes on protein structure and function (PolyPhen-2) suggests that this variant is likely to be disruptive. In summary, the available evidence is currently insufficient to determine the role of this variant in disease. Therefore, it has been classified as a Variant of Uncertain Significance.

Fulgent Genetics
Classification: Uncertain significance for Fanconi anemia complementation group P. Last evaluated: 2024-02-28. Review status: criteria provided, single submitter. Criteria: ACMG Guidelines, 2015. Collection method: clinical testing. Allele origin: germline.

Blueprint Genetics
Classification: Uncertain significance. Last evaluated: 2023-11-23. Review status: criteria provided, single submitter. Criteria: ACMG Guidelines, 2015. Collection method: clinical testing. Allele origin: germline.

Institute for Clinical Genetics, University Hospital TU Dresden, University Hospital TU Dresden
Classification: Uncertain significance. Last evaluated: 2021-11-03. Review status: criteria provided, single submitter. Criteria: ACMG Guidelines, 2015. Collection method: clinical testing. Allele origin: germline.

Illumina Laboratory Services, Illumina
Classification: Uncertain significance for Fanconi anemia complementation group P. Last evaluated: 2018-01-12. Review status: criteria provided, single submitter. Criteria: ICSL Variant Classification Criteria 13 December 2019. Collection method: clinical testing. Allele origin: germline.